The following is an entry in ClinVar:

ClinVar aggregate classification (germline): Likely benign (1 of 4 stars; one submission).

Conditions:
Peroxisome biogenesis disorder 7A (Zellweger). Also called: Peroxisome biogenesis disorder 7A. Identifiers: Orphanet 912, MedGen C3888385, MONDO:0013938, OMIM 614872.

Allele frequency attached by ClinVar (database versions not stated): gnomAD 0.00028 and 0.00048; TOPMed 0.00036; gnomAD exomes 0.00099 and 0.00110; 1000 Genomes Project 30x 0.00125; 1000 Genomes Project 0.00140; ExAC 0.00169.

Submission:

Illumina Laboratory Services, Illumina
Classification: Likely benign for Peroxisome biogenesis disorder 7A (Zellweger). Last evaluated: 2018-01-13. Review status: criteria provided, single submitter. Criteria: ICSL Variant Classification Criteria 13 December 2019. Collection method: clinical testing. Allele origin: germline.
Comment: This variant was observed in the ICSL laboratory as part of a predisposition screen in an ostensibly healthy population. It had not been previously curated by ICSL or reported in the Human Gene Mutation Database (HGMD: prior to June 1st, 2018), and was therefore a candidate for classification through an automated scoring system. Utilizing variant allele frequency, disease prevalence and penetrance estimates, and inheritance mode, an automated score was calculated to assess if this variant is too frequent to cause the disease. Based on the score and internal cut-off values, a variant classified as likely benign is not then subjected to further curation. The score for this variant resulted in a classification of likely benign for this disease.

NM_001127649.3(PEX26):c.*114C>T

Gene: PEX26 (peroxisomal biogenesis factor 26; plus strand). Cytogenetic location: 22q11.21.
Variant type: single nucleotide variant.
Coding change: c.*114C>T on transcript NM_001127649.3 (MANE Select); 114 bases downstream of the stop codon, C replaced by T.
Molecular consequence: 3 prime UTR variant.
Genome position (GRCh38, 1-based): chr22:18,088,189, C>T. VCF-style: chr22-18088189-C-T. GRCh37 (hg19) VCF-style: chr22-18570955-C-T.
Other names: c.*114C>T (NM_001199319.2, NM_017929.6).
Identifiers: ClinVar variation 340759 (VCV000340759.5), dbSNP rs45500699, ClinGen allele CA10093499.